The following is an entry in ClinVar:

NM_000091.5(COL4A3):c.317G>C (p.Gly106Ala)

Genes: COL4A3 (collagen type IV alpha 3 chain; plus strand), MFF-DT (MFF divergent transcript; minus strand). Cytogenetic location: 2q36.3.
Variant type: single nucleotide variant.
Coding change: c.317G>C on transcript NM_000091.5 (MANE Select); coding-DNA position 317, G replaced by C.
Protein change: p.Gly106Ala; replaces glycine 106 with alanine.
Molecular consequence: missense variant.
Genome position (GRCh38, 1-based): chr2:227,244,988, G>C. VCF-style: chr2-227244988-G-C. GRCh37 (hg19) VCF-style: chr2-228109704-G-C.
Other names: short protein forms G106A.
Identifiers: ClinVar variation 3251495 (VCV003251495.4), dbSNP rs1043352257.

ClinVar aggregate classification (germline): Conflicting classifications of pathogenicity. Review status: criteria provided, conflicting classifications (1 of 4 stars). 4 submissions from 4 submitters: Likely pathogenic (1); Uncertain significance (3). Last evaluated 2025-11-05.

Conditions:
Hematuria, benign familial, 2 (BFH2). Identifiers: MedGen C5830421, MONDO:0958186, OMIM 620320.
Alport syndrome 3b, autosomal recessive. Identifiers: MedGen C5882699, MONDO:0957811, OMIM 620536.
Autosomal dominant Alport syndrome (ATS3A). Also called: Alport syndrome dominant type; Renal failure and sensorineural hearing loss; ALPORT SYNDROME 3A, AUTOSOMAL DOMINANT. Identifiers: Orphanet 63, Orphanet 88918, MedGen C5882663, MONDO:0007086, OMIM 104200.
Alport syndrome. Also called: Hemorrhagic familial nephritis; Hemorrhagic hereditary nephritis; Congenital hereditary hematuria. Identifiers: Orphanet 63, MedGen C1567741, MONDO:0018965.

Allele frequency attached by ClinVar (database versions not stated): gnomAD exomes below 0.00001; TOPMed below 0.00001; gnomAD 0.00001.
gnomAD v4.1: 5 of 1,612,770 alleles (0.00031%); highest among the groups gnomAD compares: Middle Eastern, 0.016%; no homozygotes.

Submissions (4):

Myriad Genetics, Inc.
Classification: Uncertain significance for Alport syndrome. Last evaluated: 2025-11-05. Review status: criteria provided, single submitter. Criteria: Myriad Autosomal Dominant, Autosomal Recessive and X-Linked Classification Criteria (2023). Collection method: clinical testing. Allele origin: unknown.
Comment: NM_000091.4(COL4A3):c.317G>C(G106A) is a missense variant classified as a variant of uncertain significance in the context of Alport syndrome, COL4A3-related. G106A has not been observed in cases with relevant disease. Relevant functional assessments of this variant are not available in the literature. G106A has not been observed in referenced population frequency databases. In summary, there is insufficient evidence to classify NM_000091.4(COL4A3):c.317G>C(G106A) as pathogenic or benign. Please note: this variant was assessed in the context of healthy population screening.

Labcorp Genetics (formerly Invitae), Labcorp
Classification: Uncertain significance. Last evaluated: 2025-03-27. Review status: criteria provided, single submitter. Criteria: Invitae Variant Classification Sherloc (09022015). Collection method: clinical testing. Allele origin: germline.
Comment: This sequence change replaces glycine, which is neutral and non-polar, with alanine, which is neutral and non-polar, at codon 106 of the COL4A3 protein (p.Gly106Ala). This variant is not present in population databases (gnomAD no frequency). This variant has not been reported in the literature in individuals affected with COL4A3-related conditions. ClinVar contains an entry for this variant (Variation ID: 3251495). Invitae Evidence Modeling of protein sequence and biophysical properties (such as structural, functional, and spatial information, amino acid conservation, physicochemical variation, residue mobility, and thermodynamic stability) has been performed for this missense variant. However, the output from this modeling did not meet the statistical confidence thresholds required to predict the impact of this variant on COL4A3 protein function. In summary, the available evidence is currently insufficient to determine the role of this variant in disease. Therefore, it has been classified as a Variant of Uncertain Significance.

Fulgent Genetics
Classification: Likely pathogenic for Autosomal dominant Alport syndrome; Hematuria, benign familial, 2; Alport syndrome 3b, autosomal recessive. Last evaluated: 2024-06-17. Review status: criteria provided, single submitter. Criteria: ACMG Guidelines, 2015. Collection method: clinical testing. Allele origin: germline.

Women's Health and Genetics/Laboratory Corporation of America, LabCorp
Classification: Uncertain significance. Last evaluated: 2024-04-05. Review status: criteria provided, single submitter. Criteria: LabCorp Variant Classification Summary - May 2015. Collection method: clinical testing. Allele origin: germline.
Comment: Variant summary: COL4A3 c.317G>C (p.Gly106Ala) results in a non-conservative amino acid change in the encoded protein sequence. Five of five in-silico tools predict a damaging effect of the variant on protein function. The variant was absent in 249298 control chromosomes. The available data on variant occurrences in the general population are insufficient to allow any conclusion about variant significance. To our knowledge, no occurrence of c.317G>C in individuals affected with COL4A3-related conditions and no experimental evidence demonstrating its impact on protein function have been reported. No submitters have cited clinical-significance assessments for this variant to ClinVar. Based on the evidence outlined above, the variant was classified as uncertain significance.